The following is an entry in ClinVar:

ClinVar aggregate classification (germline): Uncertain significance (1 of 4 stars; one submission).

Allele frequency attached by ClinVar (database versions not stated): gnomAD exomes below 0.00001; gnomAD 0.00001.
gnomAD v4.1: 3 of 1,588,230 alleles (0.00019%); highest among the groups gnomAD compares: Admixed American, 0.0033%; no homozygotes.

Submission:

Labcorp Genetics (formerly Invitae), Labcorp
Classification: Uncertain significance. Last evaluated: 2022-09-06. Review status: criteria provided, single submitter. Criteria: Invitae Variant Classification Sherloc (09022015). Collection method: clinical testing. Allele origin: germline.
Comment: In summary, the available evidence is currently insufficient to determine the role of this variant in disease. Therefore, it has been classified as a Variant of Uncertain Significance. Variants that disrupt the consensus splice site are a relatively common cause of aberrant splicing (PMID: 17576681, 9536098). Algorithms developed to predict the effect of sequence changes on RNA splicing suggest that this variant may create or strengthen a splice site. This variant has not been reported in the literature in individuals affected with TUB-related conditions. This variant is present in population databases (no rsID available, gnomAD no frequency). This sequence change falls in intron 6 of the TUB gene. It does not directly change the encoded amino acid sequence of the TUB protein. It affects a nucleotide within the consensus splice site.

Literature cited by the submitters: PubMed 17576681; PubMed 9536098.

NM_177972.3(TUB):c.566-3C>A

Genes: RIC3 (RIC3 acetylcholine receptor chaperone; minus strand), TUB (TUB bipartite transcription factor; plus strand). Cytogenetic location: 11p15.4.
Variant type: single nucleotide variant.
Coding change: c.566-3C>A on transcript NM_177972.3 (MANE Select); 3 bases into the intron before coding-DNA position 566, C replaced by A.
Molecular consequence: intron variant.
Genome position (GRCh38, 1-based): chr11:8,096,682, C>A. VCF-style: chr11-8096682-C-A. GRCh37 (hg19) VCF-style: chr11-8118229-C-A.
Other names: c.731-3C>A (NM_003320.5).
Identifiers: ClinVar variation 2073738 (VCV002073738.3), dbSNP rs1394731022, ClinGen allele CA597324500.